The following is an entry in ClinVar:

NM_000264.5(PTCH1):c.4010C>T (p.Ala1337Val)

Gene: PTCH1 (patched 1; minus strand). Cytogenetic location: 9q22.32.
Variant type: single nucleotide variant.
Coding change: c.4010C>T on transcript NM_000264.5 (MANE Select); coding-DNA position 4010, C replaced by T.
Protein change: p.Ala1337Val; replaces alanine 1337 with valine.
Molecular consequence: missense variant. On other transcripts: non-coding transcript variant (1).
Genome position (GRCh38, 1-based): chr9:95,447,246, G>A on the plus strand (C>T on the coding strand, the complement: PTCH1 is on the minus strand). VCF-style: chr9-95447246-G-A. GRCh37 (hg19) VCF-style: chr9-98209528-G-A.
Other names: c.3854C>T, p.Ala1285Val (NM_001354918.2); c.3812C>T, p.Ala1271Val (NM_001083602.3); c.4007C>T, p.Ala1336Val (NM_001083603.3); c.3557C>T, p.Ala1186Val (NM_001083604.3, NM_001083605.3, NM_001083606.3 and 1 more transcripts); short protein forms A1285V, A1336V, A1337V, A1271V, A1186V.
Identifiers: ClinVar variation 2976077 (VCV002976077.4), dbSNP rs1369092400, ClinGen allele CA374110481.

ClinVar aggregate classification (germline): Uncertain significance. Review status: criteria provided, multiple submitters, no conflicts (2 of 4 stars). 2 submissions from 2 submitters: Uncertain significance (2). Last evaluated 2026-07-07.

Conditions:
Hereditary cancer-predisposing syndrome. Also called: Hereditary Cancer Syndrome; Hereditary neoplastic syndrome; Neoplastic Syndromes, Hereditary; Tumor predisposition. Identifiers: Orphanet 140162, MedGen C0027672, MeSH D009386, MONDO:0015356.
Gorlin syndrome. Also called: Nevoid Basal Cell Carcinoma Syndrome; Basal cell nevus syndrome. Identifiers: Orphanet 377, MedGen C0004779, MONDO:0007187.

Allele frequency attached by ClinVar (database versions not stated): gnomAD exomes below 0.00001.

Submissions (2):

Ambry Genetics
Classification: Uncertain significance for Hereditary cancer-predisposing syndrome. Last evaluated: 2026-07-07. Review status: criteria provided, single submitter. Criteria: Ambry Variant Classification Scheme 2023. Collection method: clinical testing. Allele origin: germline.
Comment: The p.A1271V variant (also known as c.3812C>T), located in coding exon 23 of the PTCH1 gene, results from a C to T substitution at nucleotide position 3812. The alanine at codon 1271 is replaced by valine, an amino acid with similar properties. This amino acid position is conserved. In addition, this alteration is predicted to be tolerated by in silico analysis. Based on the available evidence, the clinical significance of this variant remains unclear.

Labcorp Genetics (formerly Invitae), Labcorp
Classification: Uncertain significance for Gorlin syndrome. Last evaluated: 2025-07-07. Review status: criteria provided, single submitter. Criteria: Invitae Variant Classification Sherloc (09022015). Collection method: clinical testing. Allele origin: germline.
Comment: This sequence change replaces alanine, which is neutral and non-polar, with valine, which is neutral and non-polar, at codon 1337 of the PTCH1 protein (p.Ala1337Val). This variant is not present in population databases (gnomAD no frequency). This variant has not been reported in the literature in individuals affected with PTCH1-related conditions. ClinVar contains an entry for this variant (Variation ID: 2976077). Invitae Evidence Modeling of protein sequence and biophysical properties (such as structural, functional, and spatial information, amino acid conservation, physicochemical variation, residue mobility, and thermodynamic stability) indicates that this missense variant is not expected to disrupt PTCH1 protein function with a negative predictive value of 95%. In summary, the available evidence is currently insufficient to determine the role of this variant in disease. Therefore, it has been classified as a Variant of Uncertain Significance.